The following is an entry in ClinVar:

ClinVar aggregate classification (germline): Uncertain significance (1 of 4 stars; one submission).

Conditions:
Hereditary cancer-predisposing syndrome. Also called: Neoplastic Syndromes, Hereditary; Tumor predisposition; Hereditary Cancer Syndrome; Hereditary neoplastic syndrome. Identifiers: Orphanet 140162, MedGen C0027672, MeSH D009386, MONDO:0015356.

Submission:

Color Diagnostics, LLC DBA Color Health
Classification: Uncertain significance for Hereditary cancer-predisposing syndrome. Last evaluated: 2024-05-20. Review status: criteria provided, single submitter. Criteria: ACMG Guidelines, 2015. Collection method: clinical testing. Allele origin: germline.
Comment: This missense variant replaces arginine with leucine at codon 216 of the APC protein. Computational prediction suggests that this variant may not impact protein structure and function. To our knowledge, functional studies have not been reported for this variant. This variant has not been reported in individuals affected with APC-related disorders in the literature. This variant has not been identified in the general population by the Genome Aggregation Database (gnomAD). The available evidence is insufficient to determine the role of this variant in disease conclusively. Therefore, this variant is classified as a Variant of Uncertain Significance.

NM_000038.6(APC):c.647G>T (p.Arg216Leu)

Gene: APC (APC regulator of Wnt signaling pathway; plus strand). Cytogenetic location: 5q22.2.
Variant type: single nucleotide variant.
Coding change: c.647G>T on transcript NM_000038.6 (MANE Select); coding-DNA position 647, G replaced by T.
Protein change: p.Arg216Leu; replaces arginine 216 with leucine.
Molecular consequence: missense variant. On other transcripts: 5 prime UTR variant (4), non-coding transcript variant (2), intron variant (5).
Genome position (GRCh38, 1-based): chr5:112,792,447, G>T. VCF-style: chr5-112792447-G-T. GRCh37 (hg19) VCF-style: chr5-112128144-G-T.
Other names: c.647G>T, p.Arg216Leu (NM_001127510.3, NM_001354895.2, NM_001354896.2 and 12 more transcripts); c.677G>T, p.Arg226Leu (NM_001354897.2, NM_001354902.2, NM_001407446.1); c.572G>T, p.Arg191Leu (NM_001354898.2, NM_001354904.2, NM_001407451.1); c.470G>T, p.Arg157Leu (NM_001354900.2, NM_001354901.2, NM_001354905.2 and 1 more transcripts); c.-389G>T (NM_001354906.2, NM_001407470.1, NM_001407471.1 and 1 more transcripts); c.646-8832G>T (NM_001407452.1, NM_001407469.1, NM_001354899.2 and 1 more transcripts); c.676-8832G>T (NM_001127511.3); short protein forms R157L, R191L, R216L, R226L.
Identifiers: ClinVar variation 3893704 (VCV003893704.1).